The following is an entry in ClinVar:

NM_001127208.3(TET2):c.299A>G (p.Glu100Gly)

Genes: TET2 (tet methylcytosine dioxygenase 2; plus strand), TET2-AS1 (TET2 antisense RNA 1; minus strand). Cytogenetic location: 4q24.
Variant type: single nucleotide variant.
Coding change: c.299A>G on transcript NM_001127208.3 (MANE Select); coding-DNA position 299, A replaced by G.
Protein change: p.Glu100Gly; replaces glutamic acid 100 with glycine.
Molecular consequence: missense variant.
Genome position (GRCh38, 1-based): chr4:105,234,241, A>G. VCF-style: chr4-105234241-A-G. GRCh37 (hg19) VCF-style: chr4-106155398-A-G.
Other names: c.299A>G, p.Glu100Gly (NM_017628.4); short protein forms E100G.
Identifiers: ClinVar variation 2857035 (VCV002857035.3), dbSNP rs2476478984, ClinGen allele CA357791153.

ClinVar aggregate classification (germline): Uncertain significance (1 of 4 stars; one submission).

Allele frequency attached by ClinVar (database versions not stated): gnomAD exomes below 0.00001.
gnomAD v4.1: 2 of 1,614,148 alleles (0.00012%); highest among the groups gnomAD compares: Non-Finnish European, 0.00017%; no homozygotes.

Submission:

Labcorp Genetics (formerly Invitae), Labcorp
Classification: Uncertain significance. Last evaluated: 2023-04-17. Review status: criteria provided, single submitter. Criteria: Invitae Variant Classification Sherloc (09022015). Collection method: clinical testing. Allele origin: germline.
Comment: In summary, the available evidence is currently insufficient to determine the role of this variant in disease. Therefore, it has been classified as a Variant of Uncertain Significance. An algorithm developed to predict the effect of missense changes on protein structure and function (PolyPhen-2) suggests that this variant is likely to be disruptive. This variant has not been reported in the literature in individuals affected with TET2-related conditions. This variant is not present in population databases (gnomAD no frequency). This sequence change replaces glutamic acid, which is acidic and polar, with glycine, which is neutral and non-polar, at codon 100 of the TET2 protein (p.Glu100Gly).